The following is an entry in ClinVar:

NM_000180.4(GUCY2D):c.3118_3125delinsAAGGTGAGGTAC (p.Arg1040fs)

Gene: GUCY2D (guanylate cyclase 2D, retinal; plus strand). Cytogenetic location: 17p13.1.
Variant type: Indel.
Coding change: c.3118_3125delinsAAGGTGAGGTAC on transcript NM_000180.4 (MANE Select); coding-DNA positions 3118 to 3125, CGAGGCCG replaced by AAGGTGAGGTAC.
Protein change: p.Arg1040fs; shifts the reading frame from arginine 1040.
Molecular consequence: frameshift variant.
Genome position (GRCh38, 1-based): chr17:8,016,001-8,016,008, CGAGGCCG replaced by AAGGTGAGGTAC. VCF-style: chr17-8016001-CGAGGCCG-AAGGTGAGGTAC. GRCh37 (hg19) VCF-style: chr17-7919319-CGAGGCCG-AAGGTGAGGTAC.
Other names: short protein forms R1040fs.
Identifiers: ClinVar variation 2069382 (VCV002069382.4), dbSNP rs2545427576, ClinGen allele CA2580095411.

ClinVar aggregate classification (germline): Pathogenic (1 of 4 stars; one submission).

Conditions:
Cone-rod dystrophy 6 (CORD6). Also called: Cone dystrophy progressive; RETINAL CONE DYSTROPHY 2. Identifiers: Orphanet 1872, MedGen C1866293, MONDO:0011143, OMIM 601777.
Leber congenital amaurosis 1 (LCA1). Also called: AMAUROSIS CONGENITA OF LEBER I; Congenital absence of the rods and cones; Leber's congenital tapetoretinal degeneration; Leber's congenital tapetoretinal dysplasia; RETINAL BLINDNESS, CONGENITAL. Identifiers: Orphanet 65, MedGen C2931258, MONDO:0008764, OMIM 204000.

Submission:

Labcorp Genetics (formerly Invitae), Labcorp
Classification: Pathogenic for Leber congenital amaurosis 1; Cone-rod dystrophy 6. Last evaluated: 2022-01-01. Review status: criteria provided, single submitter. Criteria: Invitae Variant Classification Sherloc (09022015). Collection method: clinical testing. Allele origin: germline.
Comment: For these reasons, this variant has been classified as Pathogenic. This variant has not been reported in the literature in individuals affected with GUCY2D-related conditions. This variant is not present in population databases (gnomAD no frequency). This sequence change creates a premature translational stop signal (p.Arg1040Lysfs*33) in the GUCY2D gene. It is expected to result in an absent or disrupted protein product. Loss-of-function variants in GUCY2D are known to be pathogenic (PMID: 10951519, 11328726).

Literature cited by the submitters: PubMed 10951519; PubMed 11328726.